The following is an entry in ClinVar:

NM_001145358.2(SIN3A):c.869T>A (p.Leu290Ter)

Gene: SIN3A (SIN3 transcription regulator family member A; minus strand). Cytogenetic location: 15q24.2.
Variant type: single nucleotide variant.
Coding change: c.869T>A on transcript NM_001145358.2 (MANE Select); coding-DNA position 869, T replaced by A.
Protein change: p.Leu290Ter; replaces leucine 290 with a stop codon.
Molecular consequence: nonsense.
Genome position (GRCh38, 1-based): chr15:75,411,631, A>T on the plus strand (T>A on the coding strand, the complement: SIN3A is on the minus strand). VCF-style: chr15-75411631-A-T. GRCh37 (hg19) VCF-style: chr15-75703972-A-T.
Other names: c.869T>A, p.Leu290Ter (NM_001145357.2, NM_001437462.1, NM_001437463.1 and 1 more transcripts); short protein forms L290*.
Identifiers: ClinVar variation 4850009 (VCV004850009.1).

ClinVar aggregate classification (germline): Pathogenic (1 of 4 stars; one submission).

Conditions:
SIN3A-related intellectual disability syndrome due to a point mutation. Also called: 15q24 Microdeletion Syndrome; WITTEVEEN-KOLK SYNDROME. Identifiers: Orphanet 500166, Orphanet 94065, MedGen C4310804, MONDO:0044700, OMIM 613406.

Submission:

Variantyx, Inc.
Classification: Pathogenic for SIN3A-related intellectual disability syndrome due to a point mutation. Last evaluated: 2025-05-07. Review status: criteria provided, single submitter. Criteria: Variantyx Assertion Criteria 2022. Collection method: clinical testing. Allele origin: de novo. Inheritance: Autosomal dominant inheritance. Affected: yes.
Comment: This is a nonsense variant in the SIN3A gene (OMIM: 607776). Pathogenic variants in this gene have been associated with autosomal dominant Witteveen-Kolk syndrome. This variant introduces a premature termination codon in exon 6 out of 21 and is expected to result in loss of function, which is a known disease mechanism for SIN3A in this disorder (PMID: 33437032) (PVS1). This variant is absent from control populations (PM2). Based on the current evidence, this variant is classified as pathogenic for autosomal dominant Witteveen-Kolk syndrome.

Literature cited by the submitters: PubMed 33437032.